The following is an entry in ClinVar:

NM_002474.3(MYH11):c.3315GAA[1] (p.Lys1106del)

Gene: MYH11 (myosin heavy chain 11; minus strand). Cytogenetic location: 16p13.11.
Variant type: Microsatellite.
Coding change: c.3315GAA[1] on transcript NM_002474.3 (MANE Select); one copy of the 3-base unit GAA starting at c.3315; the reference has two copies in a row; one copy, 3 bases deleted.
Protein change: p.Lys1106del; deletes lysine 1106.
Molecular consequence: inframe deletion.
Genome position (GRCh38, 1-based): chr16:15,735,552-15,735,554, TTC deleted on the plus strand (GAA on the coding strand, the reverse complement: MYH11 is on the minus strand); deleting any 3 consecutive bases within chr16:15,735,552-15,735,558 gives the same sequence; the position shown is the placement nearest the transcript's 3' end. VCF-style (leftmost placement, unchanged base first): chr16-15735551-GTTC-G. GRCh37 (hg19) VCF-style: chr16-15829408-GTTC-G.
Other names: c.3339_3341del (NM_001040113.2); c.3318_3320delGAA (NM_002474.2); c.3336GAA[1], p.Lys1113del (NM_001040113.2, NM_001040114.2); c.3315GAA[1], p.Lys1106del (NM_022844.3); short protein forms K1106del, K1113del.
Identifiers: ClinVar variation 2773828 (VCV002773828.8), dbSNP rs1375998013, ClinGen allele CA621067345.

ClinVar aggregate classification (germline): Uncertain significance. Review status: criteria provided, multiple submitters, no conflicts (2 of 4 stars). 4 submissions from 4 submitters: Uncertain significance (4). Last evaluated 2026-08-26.

Conditions:
Aortic aneurysm, familial thoracic 4 (AAT4). Also called: AORTIC ANEURYSM/AORTIC DISSECTION AND PATENT DUCTUS ARTERIOSUS. Identifiers: MedGen C1851504, MONDO:0007568, OMIM 132900.
Familial thoracic aortic aneurysm and aortic dissection (TAAD). Also called: Thoracic aortic aneurysms and dissections. Identifiers: Orphanet 91387, MedGen C4707243, MONDO:0019625.

Submissions (4):

Ambry Genetics
Classification: Uncertain significance for Familial thoracic aortic aneurysm and aortic dissection. Last evaluated: 2026-08-26. Review status: criteria provided, single submitter. Criteria: Ambry Variant Classification Scheme 2023. Collection method: clinical testing. Allele origin: germline.
Comment: The c.3318_3320delGAA variant (also known as p.K1106del) is located in coding exon 25 of the MYH11 gene. This variant results from an in-frame GAA deletion at nucleotide positions 3318 to 3320. This results in the in-frame deletion of a lysine at codon 1106. This variant was reported in individual(s) with features consistent with thoracic aortic aneurysm and dissection (Ambry internal data). This amino acid position is highly conserved in available vertebrate species. In addition, this variant is predicted to be deleterious by in silico analysis (Choi Y et al. PLoS ONE. 2012; 7(10):e46688). Based on the available evidence, the clinical significance of this variant remains unclear.

Labcorp Genetics (formerly Invitae), Labcorp
Classification: Uncertain significance for Aortic aneurysm, familial thoracic 4. Last evaluated: 2025-09-03. Review status: criteria provided, single submitter. Criteria: Invitae Variant Classification Sherloc (09022015). Collection method: clinical testing. Allele origin: germline.
Comment: This variant, c.3339_3341del, results in the deletion of 1 amino acid(s) of the MYH11 protein (p.Lys1113del), but otherwise preserves the integrity of the reading frame. This variant is present in population databases (no rsID available, gnomAD 0.01%). This variant has not been reported in the literature in individuals affected with MYH11-related conditions. Experimental studies and prediction algorithms are not available or were not evaluated, and the functional significance of this variant is currently unknown. In summary, the available evidence is currently insufficient to determine the role of this variant in disease. Therefore, it has been classified as a Variant of Uncertain Significance.

Color Diagnostics, LLC DBA Color Health
Classification: Uncertain significance for Familial thoracic aortic aneurysm and aortic dissection. Last evaluated: 2025-06-03. Review status: criteria provided, single submitter. Criteria: ACMG Guidelines, 2015. Collection method: clinical testing. Allele origin: germline.
Comment: This variant causes an in-frame deletion of one amino acid at exon 27 of the MYH11 protein. To our knowledge, functional studies have not been reported for this variant. This variant has not been reported in individuals affected with MYH11-related disorders in the literature. This variant has been identified in 1/31394 chromosomes in the general population by the Genome Aggregation Database (gnomAD). The available evidence is insufficient to determine the role of this variant in disease conclusively. Therefore, this variant is classified as a Variant of Uncertain Significance.

All of Us Research Program, National Institutes of Health
Classification: Uncertain significance for Familial thoracic aortic aneurysm and aortic dissection. Last evaluated: 2023-07-19. Review status: criteria provided, single submitter. Criteria: ACMG Guidelines, 2015. Collection method: clinical testing. Allele origin: germline. Inheritance: Autosomal dominant inheritance. Observed: 1 variant allele, 1 heterozygote.
Comment: This variant causes a deletion of lysine at the codon 1113 in the MYH11 protein. To our knowledge, functional studies have not been reported for this variant. This variant has not been reported in individuals affected with MYH11-related disorders in the literature. This variant has been identified in 1/31394 chromosomes in the general population by the Genome Aggregation Database (gnomAD). The available evidence is insufficient to determine the role of this variant in disease conclusively. Therefore, this variant is classified as a Variant of Uncertain Significance.

This study involves interpretation of variants in research participants for the purpose of population health screening. Participant phenotype was not available at the time of variant classification. Additional details can be found in publication PMID: 35346344, PMCID: PMC8962531